The following is an entry in ClinVar:

NM_182961.4(SYNE1):c.16495A>C (p.Lys5499Gln)

Gene: SYNE1 (spectrin repeat containing nuclear envelope protein 1; minus strand). Cytogenetic location: 6q25.2.
Variant type: single nucleotide variant.
Coding change: c.16495A>C on transcript NM_182961.4 (MANE Select); coding-DNA position 16495, A replaced by C.
Protein change: p.Lys5499Gln; replaces lysine 5499 with glutamine.
Molecular consequence: missense variant.
Genome position (GRCh38, 1-based): chr6:152,318,158, T>G on the plus strand (A>C on the coding strand, the complement: SYNE1 is on the minus strand). VCF-style: chr6-152318158-T-G. GRCh37 (hg19) VCF-style: chr6-152639293-T-G.
Other names: c.16282A>C, p.Lys5428Gln (NM_033071.5); short protein forms K5428Q, K5499Q.
Identifiers: ClinVar variation 1356116 (VCV001356116.6), dbSNP rs2153899250, ClinGen allele CA366111696.

ClinVar aggregate classification (germline): Uncertain significance (1 of 4 stars; one submission).

Conditions:
Autosomal recessive ataxia, Beauce type. Also called: SYNE1-Related Autosomal Recessive Cerebellar Ataxia; SYNE1 Deficiency; Spinocerebellar ataxia, autosomal recessive 8; ATAXIA, RECESSIVE, OF BEAUCE. Identifiers: Orphanet 88644, MedGen C1853116, MONDO:0012549, OMIM 610743.
Emery-Dreifuss muscular dystrophy 4, autosomal dominant (EDMD4). Also called: EMERY-DREIFUSS MUSCULAR DYSTROPHY 4 WITH VARIABLE FEATURES. Identifiers: Orphanet 261, MedGen C2751807, MONDO:0013071, OMIM 612998.

Submission:

Labcorp Genetics (formerly Invitae), Labcorp
Classification: Uncertain significance for Emery-Dreifuss muscular dystrophy 4, autosomal dominant; Autosomal recessive ataxia, Beauce type. Last evaluated: 2021-08-18. Review status: criteria provided, single submitter. Criteria: Invitae Variant Classification Sherloc (09022015). Collection method: clinical testing. Allele origin: germline.
Comment: This sequence change replaces lysine with glutamine at codon 5428 of the SYNE1 protein (p.Lys5428Gln). The lysine residue is highly conserved and there is a small physicochemical difference between lysine and glutamine. This variant is not present in population databases (ExAC no frequency). This variant has not been reported in the literature in individuals affected with SYNE1-related conditions. Algorithms developed to predict the effect of missense changes on protein structure and function are either unavailable or do not agree on the potential impact of this missense change (SIFT: "Deleterious"; PolyPhen-2: "Benign"; Align-GVGD: "Class C0"). In summary, the available evidence is currently insufficient to determine the role of this variant in disease. Therefore, it has been classified as a Variant of Uncertain Significance.